The following is an entry in ClinVar:

ClinVar aggregate classification (germline): Conflicting classifications of pathogenicity. Review status: criteria provided, conflicting classifications (1 of 4 stars). 2 submissions from 2 submitters: Uncertain significance (1); Likely benign (1). Last evaluated 2025-03-08.

Allele frequency attached by ClinVar (database versions not stated): gnomAD exomes below 0.00001; TOPMed below 0.00001; ExAC 0.00001; gnomAD 0.00001.

Submissions (2):

Ambry Genetics
Classification: Likely benign. Last evaluated: 2025-03-08. Review status: criteria provided, single submitter. Criteria: Ambry Variant Classification Scheme 2023. Collection method: clinical testing. Allele origin: germline.

Labcorp Genetics (formerly Invitae), Labcorp
Classification: Uncertain significance. Last evaluated: 2021-09-21. Review status: criteria provided, single submitter. Criteria: Invitae Variant Classification Sherloc (09022015). Collection method: clinical testing. Allele origin: germline.
Comment: Algorithms developed to predict the effect of missense changes on protein structure and function output the following: SIFT: "Tolerated"; PolyPhen-2: "Benign"; Align-GVGD: "Class C0". The valine amino acid residue is found in multiple mammalian species, which suggests that this missense change does not adversely affect protein function. In summary, the available evidence is currently insufficient to determine the role of this variant in disease. Therefore, it has been classified as a Variant of Uncertain Significance. This variant has not been reported in the literature in individuals affected with SEMA4A-related conditions. This variant is present in population databases (rs759638923, ExAC 0.001%). This sequence change replaces methionine with valine at codon 170 of the SEMA4A protein (p.Met170Val). The methionine residue is weakly conserved and there is a small physicochemical difference between methionine and valine.

NM_022367.4(SEMA4A):c.508A>G (p.Met170Val)

Gene: SEMA4A (semaphorin 4A; plus strand). Cytogenetic location: 1q22.
Variant type: single nucleotide variant.
Coding change: c.508A>G on transcript NM_022367.4 (MANE Select); coding-DNA position 508, A replaced by G.
Protein change: p.Met170Val; replaces methionine 170 with valine.
Molecular consequence: missense variant. On other transcripts: initiator codon variant (2).
Genome position (GRCh38, 1-based): chr1:156,158,764, A>G. VCF-style: chr1-156158764-A-G. GRCh37 (hg19) VCF-style: chr1-156128555-A-G.
Other names: c.508A>G, p.Met170Val (NM_001193300.2, NM_001193301.2, NM_001370567.1); c.112A>G, p.Met38Val (NM_001193302.2); c.211A>G, p.Met71Val (NM_001370568.1); c.1A>G, p.Met1Val (NM_001370569.1, NM_001370571.1); c.508A>G (NM_022367.3); short protein forms M71V, M170V, M1V, M38V.
Identifiers: ClinVar variation 1508909 (VCV001508909.7), dbSNP rs759638923, ClinGen allele CA1155063.